The following is an entry in ClinVar:

ClinVar aggregate classification (germline): Likely benign (1 of 4 stars; one submission).

Allele frequency attached by ClinVar (database versions not stated): ExAC 0.00009.
gnomAD v4.1: 44 of 523,212 alleles (0.0084%); highest among the groups gnomAD compares: Non-Finnish European, 0.012%; no homozygotes.

Submission:

CeGaT Center for Human Genetics Tuebingen
Classification: Likely benign. Last evaluated: 2023-03-01. Review status: criteria provided, single submitter. Criteria: CeGaT Center For Human Genetics Tuebingen Variant Classification Criteria Version 2. Collection method: clinical testing. Allele origin: germline. Affected: yes. Observed: 2 variant alleles.
Comment: CFAP47: BP4, BP7

NM_001304548.2(CFAP47):c.7236G>A (p.Ser2412=)

Gene: CFAP47 (cilia and flagella associated protein 47; plus strand). Cytogenetic location: Xp21.1.
Variant type: single nucleotide variant.
Coding change: c.7236G>A on transcript NM_001304548.2 (MANE Select); coding-DNA position 7236, G replaced by A.
Protein change: p.Ser2412=; no amino-acid change (serine 2412 retained).
Molecular consequence: synonymous variant.
Genome position (GRCh38, 1-based): chrX:36,236,763, G>A. VCF-style: chrX-36236763-G-A. GRCh37 (hg19) VCF-style: chrX-36254880-G-A.
Identifiers: ClinVar variation 2660267 (VCV002660267.24), dbSNP rs782009804, ClinGen allele CA10382320.
Genomic context (GRCh38, chrX:36,236,763, plus strand): 5'-AAATGAAGTAGATGGTAGGGAGCACATCTTTGACATAAAAGGGGTTGGGAAAAAACCTTC[G>A]GCCTTGGAACACATCACTGTGGAATGTCAAGTGGGGAATGTGACACAAAAGCATATAACA-3'
Protein context (NP_001291477.1, residues 2402-2422): FDIKGVGKKP[Ser2412=]ALEHITVECQ